The following is an entry in ClinVar:

NM_032043.3(BRIP1):c.1340+6A>T

Gene: BRIP1 (BRCA1 interacting DNA helicase 1; minus strand). Cytogenetic location: 17q23.2.
Variant type: single nucleotide variant.
Coding change: c.1340+6A>T on transcript NM_032043.3 (MANE Select); 6 bases into the intron after coding-DNA position 1340, A replaced by T.
Molecular consequence: intron variant.
Genome position (GRCh38, 1-based): chr17:61,799,094, T>A on the plus strand (A>T on the coding strand, the complement: BRIP1 is on the minus strand). VCF-style: chr17-61799094-T-A. GRCh37 (hg19) VCF-style: chr17-59876455-T-A.
Identifiers: ClinVar variation 2162773 (VCV002162773.4), dbSNP rs2077945439, ClinGen allele CA2580094464.

ClinVar aggregate classification (germline): Uncertain significance (1 of 4 stars; one submission).

Conditions:
Familial cancer of breast. Also called: Hereditary breast cancer; BREAST CANCER, FAMILIAL; hereditary breast carcinoma. Identifiers: Orphanet 227535, MedGen C0346153, MONDO:0016419, OMIM 114480. Disease mechanism: loss of function.
Fanconi anemia complementation group J. Also called: BRIP1-Related Fanconi Anemia. Identifiers: Orphanet 84, MedGen C1836860, MONDO:0012187, OMIM 609054.

Submission:

Labcorp Genetics (formerly Invitae), Labcorp
Classification: Uncertain significance for Familial cancer of breast; Fanconi anemia complementation group J. Last evaluated: 2022-03-10. Review status: criteria provided, single submitter. Criteria: Invitae Variant Classification Sherloc (09022015). Collection method: clinical testing. Allele origin: germline.
Comment: In summary, the available evidence is currently insufficient to determine the role of this variant in disease. Therefore, it has been classified as a Variant of Uncertain Significance. Variants that disrupt the consensus splice site are a relatively common cause of aberrant splicing (PMID: 17576681, 9536098). Algorithms developed to predict the effect of sequence changes on RNA splicing suggest that this variant is not likely to affect RNA splicing. This variant has not been reported in the literature in individuals affected with BRIP1-related conditions. This variant is not present in population databases (gnomAD no frequency). This sequence change falls in intron 9 of the BRIP1 gene. It does not directly change the encoded amino acid sequence of the BRIP1 protein. It affects a nucleotide within the consensus splice site.

Literature cited by the submitters: PubMed 17576681; PubMed 9536098.